The following is an entry in ClinVar:

NM_020832.3(ZNF687):c.1815C>A (p.Asp605Glu)

Gene: ZNF687 (zinc finger protein 687; plus strand). Cytogenetic location: 1q21.3.
Variant type: single nucleotide variant.
Coding change: c.1815C>A on transcript NM_020832.3 (MANE Select); coding-DNA position 1815, C replaced by A.
Protein change: p.Asp605Glu; replaces aspartic acid 605 with glutamic acid.
Molecular consequence: missense variant.
Genome position (GRCh38, 1-based): chr1:151,288,106, C>A. VCF-style: chr1-151288106-C-A. GRCh37 (hg19) VCF-style: chr1-151260582-C-A.
Other names: c.1815C>A, p.Asp605Glu (NM_001304763.2, NM_001304764.2); short protein forms D605E.
Identifiers: ClinVar variation 2909855 (VCV002909855.3), dbSNP rs1378123820, ClinGen allele CA341947003.

ClinVar aggregate classification (germline): Uncertain significance (1 of 4 stars; one submission).

Allele frequency attached by ClinVar (database versions not stated): TOPMed 0.00001; gnomAD exomes 0.00003.
gnomAD v4.1: 43 of 1,613,982 alleles (0.0027%); highest among the groups gnomAD compares: Non-Finnish European, 0.0036%; no homozygotes.

Submission:

Labcorp Genetics (formerly Invitae), Labcorp
Classification: Uncertain significance. Last evaluated: 2023-10-09. Review status: criteria provided, single submitter. Criteria: Invitae Variant Classification Sherloc (09022015). Collection method: clinical testing. Allele origin: germline.
Comment: This sequence change replaces aspartic acid, which is acidic and polar, with glutamic acid, which is acidic and polar, at codon 605 of the ZNF687 protein (p.Asp605Glu). This variant is not present in population databases (gnomAD no frequency). This variant has not been reported in the literature in individuals affected with ZNF687-related conditions. An algorithm developed to predict the effect of missense changes on protein structure and function (PolyPhen-2) suggests that this variant is likely to be tolerated. In summary, the available evidence is currently insufficient to determine the role of this variant in disease. Therefore, it has been classified as a Variant of Uncertain Significance.